The following is an entry in ClinVar:

ClinVar aggregate classification (germline): Uncertain significance. Review status: criteria provided, multiple submitters, no conflicts (2 of 4 stars). 2 submissions from 2 submitters: Uncertain significance (2). Last evaluated 2024-02-29.

Conditions:
Severe neurodegenerative syndrome with lipodystrophy. Also called: ENCEPHALOPATHY, PROGRESSIVE, WITH LIPODYSTROPHY; Encephalopathy, progressive, with or without lipodystrophy. Identifiers: Orphanet 363400, MedGen C4014700, MONDO:0014402, OMIM 615924.
Congenital generalized lipodystrophy type 2 (CGL2). Also called: BERARDINELLI SYNDROME; BRUNZELL SYNDROME, BSCL2-RELATED; SEIP SYNDROME; Berardinelli-Seip Congenital Lipodystrophy Type 2. Identifiers: Orphanet 528, Orphanet 696289, MedGen C1720863, MONDO:0010020, OMIM 269700.
Neuronopathy, distal hereditary motor, type 5C. Also called: DHMN VC; NEURONOPATHY, DISTAL HEREDITARY MOTOR, AUTOSOMAL DOMINANT 13; NEURONOPATHY, DISTAL HEREDITARY MOTOR, HARDING TYPE VC; NEUROPATHY, DISTAL HEREDITARY MOTOR, HARDING TYPE VC; SPINAL MUSCULAR ATROPHY, DISTAL, HARDING TYPE VC. Identifiers: MedGen C5436838, MONDO:0030860, OMIM 619112.
Hereditary spastic paraplegia 17. Also called: SPASTIC PARAPLEGIA WITH AMYOTROPHY OF HANDS AND FEET; Silver spastic paraplegia syndrome; Spastic Paraplegia 17; Autosomal dominant spastic paraplegia type 17; Silver Syndrome. Identifiers: Orphanet 100998, MedGen C2931276, MONDO:0010043, OMIM 270685.
Charcot-Marie-Tooth disease type 2. Also called: Charcot-Marie-Tooth type 2. Identifiers: Orphanet 64746, MedGen C0270914, MONDO:0018993.

Allele frequency attached by ClinVar (database versions not stated): gnomAD exomes below 0.00001; TOPMed 0.00002.
gnomAD v4.1: 4 of 1,614,214 alleles (0.00025%); highest among the groups gnomAD compares: African/African-American, 0.0053%; no homozygotes.

Submissions (2):

Fulgent Genetics
Classification: Uncertain significance for Congenital generalized lipodystrophy type 2; Hereditary spastic paraplegia 17; Severe neurodegenerative syndrome with lipodystrophy; Neuronopathy, distal hereditary motor, type 5C. Last evaluated: 2024-02-29. Review status: criteria provided, single submitter. Criteria: ACMG Guidelines, 2015. Collection method: clinical testing. Allele origin: germline.

Labcorp Genetics (formerly Invitae), Labcorp
Classification: Uncertain significance for Charcot-Marie-Tooth disease type 2. Last evaluated: 2023-07-12. Review status: criteria provided, single submitter. Criteria: Invitae Variant Classification Sherloc (09022015). Collection method: clinical testing. Allele origin: germline.
Comment: This variant is present in population databases (no rsID available, gnomAD 0.007%). This sequence change replaces phenylalanine, which is neutral and non-polar, with leucine, which is neutral and non-polar, at codon 243 of the BSCL2 protein (p.Phe243Leu). This variant has not been reported in the literature in individuals affected with BSCL2-related conditions. In summary, the available evidence is currently insufficient to determine the role of this variant in disease. Therefore, it has been classified as a Variant of Uncertain Significance. Advanced modeling of protein sequence and biophysical properties (such as structural, functional, and spatial information, amino acid conservation, physicochemical variation, residue mobility, and thermodynamic stability) performed at Invitae indicates that this missense variant is not expected to disrupt BSCL2 protein function.

NM_001122955.4(BSCL2):c.921C>A (p.Phe307Leu)

Genes: BSCL2 (BSCL2 lipid droplet biogenesis associated, seipin; minus strand), HNRNPUL2-BSCL2 (HNRNPUL2-BSCL2 readthrough (NMD candidate); minus strand). Cytogenetic location: 11q12.3.
Variant type: single nucleotide variant.
Coding change: c.921C>A on transcript NM_001122955.4 (MANE Select); coding-DNA position 921, C replaced by A.
Protein change: p.Phe307Leu; replaces phenylalanine 307 with leucine.
Molecular consequence: missense variant. On other transcripts: non-coding transcript variant (1), intron variant (1).
Genome position (GRCh38, 1-based): chr11:62,691,364, G>T on the plus strand (C>A on the coding strand, the complement: BSCL2 is on the minus strand). VCF-style: chr11-62691364-G-T. GRCh37 (hg19) VCF-style: chr11-62458836-G-T.
Other names: c.921C>A, p.Phe307Leu (NM_001386027.1, NM_001386028.1); c.729C>A, p.Phe243Leu (NM_032667.6); c.672-223C>A (NM_001130702.2); short protein forms F307L, F243L.
Identifiers: ClinVar variation 2730293 (VCV002730293.4), dbSNP rs1041843205, ClinGen allele CA223628873.
Genomic context (GRCh38, chr11:62,691,364, plus strand): 5'-CCAGATGCCCCCCCACACCCACTGCATGTAGCTGAAGAGCACGATGACGCTGAGGAAGGT[G>T]AAGTTGCTGGCAACACCTATGAAGGCGCAGGTCATCGGGAAGTTGTATAGCAGGTATCTG-3'
Protein context (NP_001116427.1, residues 297-317): TCAFIGVASN[Phe307Leu]TFLSVIVLFS